The following is an entry in ClinVar:

ClinVar aggregate classification (germline): Uncertain significance (1 of 4 stars; one submission).

gnomAD v4.1: 2 of 1,612,092 alleles (0.00012%); highest among the groups gnomAD compares: Admixed American, 0.0033%; no homozygotes.

Submission:

Labcorp Genetics (formerly Invitae), Labcorp
Classification: Uncertain significance. Last evaluated: 2026-01-12. Review status: criteria provided, single submitter. Criteria: Invitae Variant Classification Sherloc (09022015). Collection method: clinical testing. Allele origin: germline.
Comment: This sequence change replaces proline, which is neutral and non-polar, with alanine, which is neutral and non-polar, at codon 506 of the SALL2 protein (p.Pro506Ala). This variant is present in population databases (rs752873725, gnomAD 0.006%). This variant has not been reported in the literature in individuals affected with SALL2-related conditions. An algorithm developed to predict the effect of missense changes on protein structure and function (PolyPhen-2) suggests that this variant is likely to be disruptive. In summary, the available evidence is currently insufficient to determine the role of this variant in disease. Therefore, it has been classified as a Variant of Uncertain Significance.

NM_001364564.1(SALL2):c.1510C>G (p.Pro504Ala)

Gene: SALL2 (spalt like transcription factor 2; minus strand). Cytogenetic location: 14q11.2.
Variant type: single nucleotide variant.
Coding change: c.1510C>G on transcript NM_001364564.1 (MANE Select); coding-DNA position 1510, C replaced by G.
Protein change: p.Pro504Ala; replaces proline 504 with alanine.
Molecular consequence: missense variant.
Genome position (GRCh38, 1-based): chr14:21,524,212, G>C on the plus strand (C>G on the coding strand, the complement: SALL2 is on the minus strand). VCF-style: chr14-21524212-G-C. GRCh37 (hg19) VCF-style: chr14-21992346-G-C.
Other names: c.1111C>G, p.Pro371Ala (NM_001291446.2); c.1105C>G, p.Pro369Ala (NM_001291447.2); c.1516C>G, p.Pro506Ala (NM_005407.3); short protein forms P371A, P504A, P369A, P506A.
Identifiers: ClinVar variation 4698486 (VCV004698486.1).
Genomic context (GRCh38, chr14:21,524,212, plus strand): 5'-TTTCATCAGCTTTATTCTTGGGTTCCACTGCTTTCATGAGCACAAACTTATTGAAAGCAG[G>C]GAGTCCTGGAGCCGTGGCTGTGCCTGCACTGGTGGAGAGCAGAGTCAGGCTCTCTGTGGC-3'
Protein context (NP_001351493.1, residues 494-514): SAGTATAPGL[Pro504Ala]AFNKFVLMKA